The following is an entry in ClinVar:

NM_004984.4(KIF5A):c.2934T>G (p.Ser978Arg)

Gene: KIF5A (kinesin family member 5A; plus strand). Cytogenetic location: 12q13.3.
Variant type: single nucleotide variant.
Coding change: c.2934T>G on transcript NM_004984.4 (MANE Select); coding-DNA position 2934, T replaced by G.
Protein change: p.Ser978Arg; replaces serine 978 with arginine.
Molecular consequence: missense variant.
Genome position (GRCh38, 1-based): chr12:57,581,894, T>G. VCF-style: chr12-57581894-T-G. GRCh37 (hg19) VCF-style: chr12-57975677-T-G.
Other names: c.2667T>G, p.Ser889Arg (NM_001354705.2); short protein forms S889R, S978R.
Identifiers: ClinVar variation 2790410 (VCV002790410.3), dbSNP rs774024961, ClinGen allele CA6653256.

ClinVar aggregate classification (germline): Uncertain significance (1 of 4 stars; one submission).

Conditions:
Spastic paraplegia. Identifiers: MedGen C0037772, HP:0001258.

Allele frequency attached by ClinVar (database versions not stated): ExAC 0.00010.

Submission:

Labcorp Genetics (formerly Invitae), Labcorp
Classification: Uncertain significance for Spastic paraplegia. Last evaluated: 2023-08-27. Review status: criteria provided, single submitter. Criteria: Invitae Variant Classification Sherloc (09022015). Collection method: clinical testing. Allele origin: germline.
Comment: The frequency data for this variant in the population databases is considered unreliable, as metrics indicate poor data quality at this position in the gnomAD database. This sequence change replaces serine, which is neutral and polar, with arginine, which is basic and polar, at codon 978 of the KIF5A protein (p.Ser978Arg). This variant has not been reported in the literature in individuals affected with KIF5A-related conditions. Advanced modeling of protein sequence and biophysical properties (such as structural, functional, and spatial information, amino acid conservation, physicochemical variation, residue mobility, and thermodynamic stability) performed at Invitae indicates that this missense variant is not expected to disrupt KIF5A protein function. Algorithms developed to predict the effect of sequence changes on RNA splicing suggest that this variant may create or strengthen a splice site. In summary, the available evidence is currently insufficient to determine the role of this variant in disease. Therefore, it has been classified as a Variant of Uncertain Significance.